The following is an entry in ClinVar:

NM_001352514.2(HLCS):c.2571C>T (p.Asp857=)

Gene: HLCS (holocarboxylase synthetase; minus strand). Cytogenetic location: 21q22.13.
Variant type: single nucleotide variant.
Coding change: c.2571C>T on transcript NM_001352514.2 (MANE Select); coding-DNA position 2571, C replaced by T.
Protein change: p.Asp857=; no amino-acid change (aspartic acid 857 retained).
Molecular consequence: synonymous variant. On other transcripts: non-coding transcript variant (2).
Genome position (GRCh38, 1-based): chr21:36,754,297, G>A on the plus strand (C>T on the coding strand, the complement: HLCS is on the minus strand). VCF-style: chr21-36754297-G-A. GRCh37 (hg19) VCF-style: chr21-38126598-G-A.
Other names: c.2130C>T, p.Asp710= (NM_000411.8, NM_001242784.3, NM_001242785.2 and 4 more transcripts).
Identifiers: ClinVar variation 512137 (VCV000512137.10), dbSNP rs202028605, ClinGen allele CA10020215.

ClinVar aggregate classification (germline): Likely benign. Review status: criteria provided, multiple submitters, no conflicts (2 of 4 stars). 2 submissions from 2 submitters: Likely benign (2). Last evaluated 2026-01-26.

Conditions:
Holocarboxylase synthetase deficiency. Also called: MULTIPLE CARBOXYLASE DEFICIENCY, EARLY ONSET. Identifiers: Orphanet 79242, MedGen C0268581, MONDO:0009666, OMIM 253270.

Allele frequency attached by ClinVar (database versions not stated): gnomAD 0.00001 and 0.00003; gnomAD exomes 0.00003; TOPMed 0.00003; ExAC 0.00005; 1000 Genomes Project 0.00060; 1000 Genomes Project 30x 0.00062.
gnomAD v4.1: 58 of 1,614,082 alleles (0.0036%); highest among the groups gnomAD compares: South Asian, 0.014%; no homozygotes.

Submissions (2):

Labcorp Genetics (formerly Invitae), Labcorp
Classification: Likely benign for Holocarboxylase synthetase deficiency. Last evaluated: 2026-01-26. Review status: criteria provided, single submitter. Criteria: Invitae Variant Classification Sherloc (09022015). Collection method: clinical testing. Allele origin: germline.

GeneDx
Classification: Likely benign. Last evaluated: 2017-10-05. Review status: criteria provided, single submitter. Criteria: GeneDx Variant Classification (06012015). Collection method: clinical testing. Allele origin: germline. Affected: yes.
Comment: This variant is considered likely benign or benign based on one or more of the following criteria: it is a conservative change, it occurs at a poorly conserved position in the protein, it is predicted to be benign by multiple in silico algorithms, and/or has population frequency not consistent with disease.